The following is an entry in ClinVar:

ClinVar aggregate classification (germline): Uncertain significance (1 of 4 stars; one submission).

Conditions:
Schwartz-Jampel syndrome type 1 (SJS1). Also called: MYOTONIC MYOPATHY, DWARFISM, CHONDRODYSTROPHY, AND OCULAR AND FACIAL ABNORMALITIES; CHONDRODYSTROPHIC MYOTONIA. Identifiers: MedGen C4551479, MONDO:0100435, OMIM 255800.

Submission:

3billion
Classification: Uncertain significance for Schwartz-Jampel syndrome type 1. Last evaluated: 2023-02-23. Review status: criteria provided, single submitter. Criteria: ACMG Guidelines, 2015. Collection method: clinical testing. Allele origin: unknown. Affected: yes.
Comment: The variant is not observed in the gnomAD v2.1.1 dataset. Protein truncation variants are a common disease-causing mechanism. In silico tool predictions suggest damaging effect of the variant on gene or gene product (REVEL: 0.73). However, the evidence of pathogenicity is insufficient at this time. Therefore, this variant is classified as VUS according to the recommendation of ACMG/AMP guideline.

NM_005529.7(HSPG2):c.9826T>C (p.Tyr3276His)

Gene: HSPG2 (heparan sulfate proteoglycan 2; minus strand). Cytogenetic location: 1p36.12.
Variant type: single nucleotide variant.
Coding change: c.9826T>C on transcript NM_005529.7 (MANE Select); coding-DNA position 9826, T replaced by C.
Protein change: p.Tyr3276His; replaces tyrosine 3276 with histidine.
Molecular consequence: missense variant.
Genome position (GRCh38, 1-based): chr1:21,839,434, A>G on the plus strand (T>C on the coding strand, the complement: HSPG2 is on the minus strand). VCF-style: chr1-21839434-A-G. GRCh37 (hg19) VCF-style: chr1-22165927-A-G.
Other names: c.9829T>C, p.Tyr3277His (NM_001291860.2); short protein forms Y3276H, Y3277H.
Identifiers: ClinVar variation 2444351 (VCV002444351.1), dbSNP rs2152703350, ClinGen allele CA338912771.
Genomic context (GRCh38, chr1:21,839,434, plus strand): 5'-CCACGTGCAGGATGATGGTGGCCTCAGCGTGCCCAGCAGGGCTAGTGGCATTGCAGATGT[A>G]CTGGCCCGAGTCCTGCTGGGCTACCCGGGGTATGATGAGTGTGTCACCTTCCAGCCGGTG-3'
Protein context (NP_005520.4, residues 3266-3286): PRVAQQDSGQ[Tyr3276His]ICNATSPAGH